The following is an entry in ClinVar:

ClinVar aggregate classification (germline): Uncertain significance (1 of 4 stars; one submission).

Submission:

Labcorp Genetics (formerly Invitae), Labcorp
Classification: Uncertain significance. Last evaluated: 2023-04-11. Review status: criteria provided, single submitter. Criteria: Invitae Variant Classification Sherloc (09022015). Collection method: clinical testing. Allele origin: germline.
Comment: In summary, the available evidence is currently insufficient to determine the role of this variant in disease. Therefore, it has been classified as a Variant of Uncertain Significance. Algorithms developed to predict the effect of missense changes on protein structure and function output the following: SIFT: "Not Available"; PolyPhen-2: "Not Available"; Align-GVGD: "Not Available". The proline amino acid residue is found in multiple mammalian species, which suggests that this missense change does not adversely affect protein function. This variant has not been reported in the literature in individuals affected with DSCAML1-related conditions. This variant is not present in population databases (gnomAD no frequency). This sequence change replaces glutamine, which is neutral and polar, with proline, which is neutral and non-polar, at codon 15 of the DSCAML1 protein (p.Gln15Pro).

NM_020693.4(DSCAML1):c.-137A>C

Gene: DSCAML1 (DS cell adhesion molecule like 1; minus strand). Cytogenetic location: 11q23.3.
Variant type: single nucleotide variant.
Coding change: c.-137A>C on transcript NM_020693.4 (MANE Select); 137 bases upstream of the start codon, A replaced by C.
Molecular consequence: 5 prime UTR variant. On other transcripts: intron variant (1).
Genome position (GRCh38, 1-based): chr11:117,797,216, T>G on the plus strand (A>C on the coding strand, the complement: DSCAML1 is on the minus strand). VCF-style: chr11-117797216-T-G. GRCh37 (hg19) VCF-style: chr11-117667931-T-G.
Other names: c.-137A>C (NM_001367904.1); c.-362-16406A>C (NM_001367905.1).
Identifiers: ClinVar variation 2893779 (VCV002893779.3), dbSNP rs1237220991, ClinGen allele CA382762497.